The following is an entry in ClinVar:

NM_001009944.3(PKD1):c.12024C>T (p.Phe4008=)

Gene: PKD1 (polycystin 1, transient receptor potential channel interacting; minus strand). Cytogenetic location: 16p13.3.
Variant type: single nucleotide variant.
Coding change: c.12024C>T on transcript NM_001009944.3 (MANE Select); coding-DNA position 12024, C replaced by T.
Protein change: p.Phe4008=; no amino-acid change (phenylalanine 4008 retained).
Molecular consequence: synonymous variant.
Genome position (GRCh38, 1-based): chr16:2,090,788, G>A on the plus strand (C>T on the coding strand, the complement: PKD1 is on the minus strand). VCF-style: chr16-2090788-G-A. GRCh37 (hg19) VCF-style: chr16-2140789-G-A.
Other names: c.12021C>T, p.Phe4007= (NM_000296.4).
Identifiers: ClinVar variation 3044268 (VCV003044268.2), dbSNP rs781420939, ClinGen allele CA7828871.

ClinVar aggregate classification (germline): Likely benign (0 of 4 stars; one submission).

Conditions:
PKD1-related disorder. Also called: PKD1-related condition.

Allele frequency attached by ClinVar (database versions not stated): gnomAD 0.00003; ExAC 0.00006.
gnomAD v4.1: 164 of 1,612,436 alleles (0.01%); highest among the groups gnomAD compares: Middle Eastern, 0.049%; no homozygotes.

Submission:

PreventionGenetics, part of Exact Sciences
Classification: Likely benign for PKD1-related condition. Last evaluated: 2019-05-28. Review status: no assertion criteria provided. Collection method: clinical testing. Allele origin: germline.
Comment: This variant is classified as likely benign based on ACMG/AMP sequence variant interpretation guidelines (Richards et al. 2015 PMID: 25741868, with internal and published modifications).